The following is an entry in ClinVar:

ClinVar aggregate classification (germline): Uncertain significance (1 of 4 stars; one submission).

Conditions:
Cognitive impairment - coarse facies - heart defects - obesity - pulmonary involvement - short stature - skeletal dysplasia syndrome. Also called: COGNITIVE IMPAIRMENT, COARSE FACIES, HEART DEFECTS, OBESITY, PULMONARY INVOLVEMENT, SHORT STATURE, AND SKELETAL DYSPLASIA; Chops syndrome; AFF4-Related CHOPS Syndrome. Identifiers: Orphanet 444077, MedGen C4085597, MONDO:0014609, OMIM 616368.

gnomAD v4.1: 1 of 1,614,210 alleles (0.000062%); no homozygotes.

Submission:

Labcorp Genetics (formerly Invitae), Labcorp
Classification: Uncertain significance for Cognitive impairment - coarse facies - heart defects - obesity - pulmonary involvement - short stature - skeletal dysplasia syndrome. Last evaluated: 2022-10-05. Review status: criteria provided, single submitter. Criteria: Invitae Variant Classification Sherloc (09022015). Collection method: clinical testing. Allele origin: germline.
Comment: Advanced modeling of protein sequence and biophysical properties (such as structural, functional, and spatial information, amino acid conservation, physicochemical variation, residue mobility, and thermodynamic stability) has been performed at Invitae for this missense variant, however the output from this modeling did not meet the statistical confidence thresholds required to predict the impact of this variant on AFF4 protein function. This variant has not been reported in the literature in individuals affected with AFF4-related conditions. This variant is not present in population databases (gnomAD no frequency). This sequence change replaces aspartic acid, which is acidic and polar, with asparagine, which is neutral and polar, at codon 427 of the AFF4 protein (p.Asp427Asn). In summary, the available evidence is currently insufficient to determine the role of this variant in disease. Therefore, it has been classified as a Variant of Uncertain Significance.

NM_014423.4(AFF4):c.1279G>A (p.Asp427Asn)

Gene: AFF4 (ALF transcription elongation factor 4; minus strand). Cytogenetic location: 5q31.1.
Variant type: single nucleotide variant.
Coding change: c.1279G>A on transcript NM_014423.4 (MANE Select); coding-DNA position 1279, G replaced by A.
Protein change: p.Asp427Asn; replaces aspartic acid 427 with asparagine.
Molecular consequence: missense variant.
Genome position (GRCh38, 1-based): chr5:132,898,340, C>T on the plus strand (G>A on the coding strand, the complement: AFF4 is on the minus strand). VCF-style: chr5-132898340-C-T. GRCh37 (hg19) VCF-style: chr5-132234032-C-T.
Other names: short protein forms D427N.
Identifiers: ClinVar variation 2108783 (VCV002108783.4), dbSNP rs2532481718, ClinGen allele CA360941791.